The following is an entry in ClinVar:

NM_000969.5(RPL5):c.788A>G (p.Lys263Arg)

Genes: DIPK1A (divergent protein kinase domain 1A; minus strand), RPL5 (ribosomal protein L5; plus strand). Cytogenetic location: 1p22.1.
Variant type: single nucleotide variant.
Coding change: c.788A>G on transcript NM_000969.5 (MANE Select); coding-DNA position 788, A replaced by G.
Protein change: p.Lys263Arg; replaces lysine 263 with arginine.
Molecular consequence: missense variant. On other transcripts: non-coding transcript variant (1), intron variant (1).
Genome position (GRCh38, 1-based): chr1:92,840,633, A>G. VCF-style: chr1-92840633-A-G. GRCh37 (hg19) VCF-style: chr1-93306190-A-G.
Other names: c.474+6550T>C (NM_001252273.2); short protein forms K263R.
Identifiers: ClinVar variation 2723839 (VCV002723839.3), dbSNP rs1379364559, ClinGen allele CA341243769.

ClinVar aggregate classification (germline): Uncertain significance (1 of 4 stars; one submission).

Conditions:
Diamond-Blackfan anemia. Also called: Blackfan Diamond syndrome; Aregenerative anemia chronic congenital; Red cell aplasia, pure hereditary; Congenital hypoplastic anemia; Aase syndrome. Identifiers: Orphanet 124, MedGen C1260899, MeSH D029503, MONDO:0015253, HP:0004810.

Allele frequency attached by ClinVar (database versions not stated): gnomAD exomes below 0.00001; TOPMed below 0.00001.
gnomAD v4.1: 3 of 1,607,836 alleles (0.00019%); highest among the groups gnomAD compares: South Asian, 0.0022%; no homozygotes.

Submission:

Labcorp Genetics (formerly Invitae), Labcorp
Classification: Uncertain significance for Diamond-Blackfan anemia. Last evaluated: 2023-08-18. Review status: criteria provided, single submitter. Criteria: Invitae Variant Classification Sherloc (09022015). Collection method: clinical testing. Allele origin: germline.
Comment: This sequence change replaces lysine, which is basic and polar, with arginine, which is basic and polar, at codon 263 of the RPL5 protein (p.Lys263Arg). This variant is present in population databases (no rsID available, gnomAD 0.003%). This variant has not been reported in the literature in individuals affected with RPL5-related conditions. Advanced modeling of protein sequence and biophysical properties (such as structural, functional, and spatial information, amino acid conservation, physicochemical variation, residue mobility, and thermodynamic stability) performed at Invitae indicates that this missense variant is not expected to disrupt RPL5 protein function. In summary, the available evidence is currently insufficient to determine the role of this variant in disease. Therefore, it has been classified as a Variant of Uncertain Significance.